The following is an entry in ClinVar:

ClinVar aggregate classification (germline): Uncertain significance. Review status: criteria provided, multiple submitters, no conflicts (2 of 4 stars). 2 submissions from 2 submitters: Uncertain significance (2). Last evaluated 2024-12-16.

Conditions:
Sitosterolemia (STSL). Also called: PHYTOSTEROLEMIA. Identifiers: Orphanet 2882, MedGen C0342907, MONDO:0008863.
Cardiovascular phenotype. Identifiers: MedGen CN230736.

gnomAD v4.1: 4 of 1,614,104 alleles (0.00025%); highest among the groups gnomAD compares: Non-Finnish European, 0.00034%; no homozygotes.

Submissions (2):

Labcorp Genetics (formerly Invitae), Labcorp
Classification: Uncertain significance for Sitosterolemia. Last evaluated: 2024-12-16. Review status: criteria provided, single submitter. Criteria: Invitae Variant Classification Sherloc (09022015). Collection method: clinical testing. Allele origin: germline.
Comment: This sequence change replaces tryptophan, which is neutral and slightly polar, with arginine, which is basic and polar, at codon 461 of the ABCG5 protein (p.Trp461Arg). This variant is present in population databases (no rsID available, gnomAD 0.0009%). This variant has not been reported in the literature in individuals affected with ABCG5-related conditions. An algorithm developed to predict the effect of missense changes on protein structure and function (PolyPhen-2) suggests that this variant is likely to be disruptive. In summary, the available evidence is currently insufficient to determine the role of this variant in disease. Therefore, it has been classified as a Variant of Uncertain Significance.

Ambry Genetics
Classification: Uncertain significance for Cardiovascular phenotype. Last evaluated: 2024-10-07. Review status: criteria provided, single submitter. Criteria: Ambry Variant Classification Scheme 2023. Collection method: clinical testing. Allele origin: germline.
Comment: The p.W461R variant (also known as c.1381T>C), located in coding exon 10 of the ABCG5 gene, results from a T to C substitution at nucleotide position 1381. The tryptophan at codon 461 is replaced by arginine, an amino acid with dissimilar properties. This amino acid position is conserved. In addition, this alteration is predicted to be deleterious by in silico analysis. Based on the available evidence, the clinical significance of this variant remains unclear.

NM_022436.3(ABCG5):c.1381T>C (p.Trp461Arg)

Genes: ABCG5 (ATP binding cassette subfamily G member 5; minus strand), DYNC2LI1 (dynein cytoplasmic 2 light intermediate chain 1; plus strand). Cytogenetic location: 2p21.
Variant type: single nucleotide variant.
Coding change: c.1381T>C on transcript NM_022436.3 (MANE Select); coding-DNA position 1381, T replaced by C.
Protein change: p.Trp461Arg; replaces tryptophan 461 with arginine.
Molecular consequence: missense variant. On other transcripts: intron variant (2).
Genome position (GRCh38, 1-based): chr2:43,822,879, A>G on the plus strand (T>C on the coding strand, the complement: ABCG5 is on the minus strand). VCF-style: chr2-43822879-A-G. GRCh37 (hg19) VCF-style: chr2-44050018-A-G.
Other names: c.*16-4507A>G (NM_001348913.2, NM_001348912.2); short protein forms W461R.
Identifiers: ClinVar variation 3414022 (VCV003414022.2).